The following is an entry in ClinVar:

ClinVar aggregate classification (germline): Uncertain significance (1 of 4 stars; one submission).

Conditions:
Cardiovascular phenotype. Identifiers: MedGen CN230736.

Submission:

Ambry Genetics
Classification: Uncertain significance for Cardiovascular phenotype. Last evaluated: 2024-09-17. Review status: criteria provided, single submitter. Criteria: Ambry Variant Classification Scheme 2023. Collection method: clinical testing. Allele origin: germline.
Comment: The p.D1639E variant (also known as c.4917C>A), located in coding exon 27 of the SCN10A gene, results from a C to A substitution at nucleotide position 4917. The aspartic acid at codon 1639 is replaced by glutamic acid, an amino acid with highly similar properties. This amino acid position is conserved. In addition, this alteration is predicted to be deleterious by in silico analysis. Based on the available evidence, the clinical significance of this variant remains unclear.

NM_006514.4(SCN10A):c.4917C>A (p.Asp1639Glu)

Gene: SCN10A (sodium voltage-gated channel alpha subunit 10; minus strand). Cytogenetic location: 3p22.2.
Variant type: single nucleotide variant.
Coding change: c.4917C>A on transcript NM_006514.4 (MANE Select); coding-DNA position 4917, C replaced by A.
Protein change: p.Asp1639Glu; replaces aspartic acid 1639 with glutamic acid.
Molecular consequence: missense variant.
Genome position (GRCh38, 1-based): chr3:38,698,303, G>T on the plus strand (C>A on the coding strand, the complement: SCN10A is on the minus strand). VCF-style: chr3-38698303-G-T. GRCh37 (hg19) VCF-style: chr3-38739794-G-T.
Other names: c.4914C>A, p.Asp1638Glu (NM_001293306.2); c.4623C>A, p.Asp1541Glu (NM_001293307.2); short protein forms D1639E, D1541E, D1638E.
Identifiers: ClinVar variation 3438116 (VCV003438116.1).